The following is an entry in ClinVar:

NM_005502.4(ABCA1):c.2375A>G (p.Glu792Gly)

Gene: ABCA1 (ATP binding cassette subfamily A member 1; minus strand). Cytogenetic location: 9q31.1.
Variant type: single nucleotide variant.
Coding change: c.2375A>G on transcript NM_005502.4 (MANE Select); coding-DNA position 2375, A replaced by G.
Protein change: p.Glu792Gly; replaces glutamic acid 792 with glycine.
Molecular consequence: missense variant.
Genome position (GRCh38, 1-based): chr9:104,825,850, T>C on the plus strand (A>G on the coding strand, the complement: ABCA1 is on the minus strand). VCF-style: chr9-104825850-T-C. GRCh37 (hg19) VCF-style: chr9-107588131-T-C.
Other names: short protein forms E792G.
Identifiers: ClinVar variation 632618 (VCV000632618.1), dbSNP rs762990532, ClinGen allele CA5168742.
Genomic context (GRCh38, chr9:104,825,850, plus strand): 5'-CTCTCAAACAGGTTGTCCCACTGCACTCCAATGCCCTGCTCCTCAAAAAGGGCAAAGTAC[T>C]CACAGCCAAACCCAAAAGCCACAGGAGACAGCAGGCTCTGTGAGAAACAGGCAAAGTCAC-3'
Protein context (NP_005493.2, residues 782-802): LSPVAFGFGC[Glu792Gly]YFALFEEQGI

ClinVar aggregate classification (germline): Uncertain significance (1 of 4 stars; one submission).

Allele frequency attached by ClinVar (database versions not stated): ExAC 0.00001; TOPMed 0.00002; gnomAD exomes below 0.00001; gnomAD 0.00001.
gnomAD v4.1: 4 of 1,614,048 alleles (0.00025%); highest among the groups gnomAD compares: Non-Finnish European, 0.00034%; no homozygotes.

Submission:

Women's Health and Genetics/Laboratory Corporation of America, LabCorp
Classification: Uncertain significance. Last evaluated: 2018-05-07. Review status: criteria provided, single submitter. Criteria: LabCorp Variant Classification Summary - May 2015. Collection method: clinical testing. Allele origin: germline.
Comment: Variant summary: ABCA1 c.2375A>G (p.Glu792Gly) results in a non-conservative amino acid change in the encoded protein sequence. Four of five in-silico tools predict a damaging effect of the variant on protein function. The variant allele was found at a frequency of 4.1e-06 in 246242 control chromosomes (gnomAD). The available data on variant occurrences in the general population are insufficient to allow any conclusion about variant significance. To our knowledge, no occurrence of c.2375A>G in individuals affected with Early Onset Coronary Artery Disease and no experimental evidence demonstrating its impact on protein function have been reported. No clinical diagnostic laboratories have submitted clinical-significance assessments for this variant to ClinVar after 2014. Based on the evidence outlined above, the variant was classified as uncertain significance.